The following is an entry in ClinVar:

NM_001329.4(CTBP2):c.58+12430G>T

Gene: CTBP2 (C-terminal binding protein 2; minus strand). Cytogenetic location: 10q26.13.
Variant type: single nucleotide variant.
Coding change: c.58+12430G>T on transcript NM_001329.4 (MANE Select); 12430 bases into the intron after coding-DNA position 58, G replaced by T.
Molecular consequence: intron variant. On other transcripts: missense variant (1).
Genome position (GRCh38, 1-based): chr10:125,026,567, C>A on the plus strand (G>T on the coding strand, the complement: CTBP2 is on the minus strand). VCF-style: chr10-125026567-C-A. GRCh37 (hg19) VCF-style: chr10-126715136-C-A.
Other names: c.1193G>T, p.Arg398Leu (NM_022802.3); c.58+12430G>T (NM_001083914.3, NM_001290214.3, NM_001321012.2 and 3 more transcripts); short protein forms R398L.
Identifiers: ClinVar variation 3038072 (VCV003038072.2), dbSNP rs7067816, ClinGen allele CA5736284.

ClinVar aggregate classification (germline): Benign (0 of 4 stars; one submission).

Conditions:
CTBP2-related disorder. Also called: CTBP2-related condition.

Allele frequency attached by ClinVar (database versions not stated): ESP Exome Variant Server 0.03582; 1000 Genomes Project 0.03754; 1000 Genomes Project 30x 0.03935.
gnomAD v4.1: 10,262 of 1,541,354 alleles (0.67%); highest among the groups gnomAD compares: African/African-American, 12%; 518 homozygotes.

Submission:

PreventionGenetics, part of Exact Sciences
Classification: Benign for CTBP2-related condition. Last evaluated: 2019-06-03. Review status: no assertion criteria provided. Collection method: clinical testing. Allele origin: germline.
Comment: This variant is classified as benign based on ACMG/AMP sequence variant interpretation guidelines (Richards et al. 2015 PMID: 25741868, with internal and published modifications).